The following is an entry in ClinVar:

ClinVar aggregate classification (germline): Uncertain significance (1 of 4 stars; one submission).

Conditions:
Neuropathy, hereditary sensory, type 1F. Also called: HSN IF; Hereditary sensory neuropathy type IF. Identifiers: Orphanet 36386, MedGen C3810194, MONDO:0014286, OMIM 615632.

Submission:

Labcorp Genetics (formerly Invitae), Labcorp
Classification: Uncertain significance for Neuropathy, hereditary sensory, type 1F. Last evaluated: 2021-10-09. Review status: criteria provided, single submitter. Criteria: Invitae Variant Classification Sherloc (09022015). Collection method: clinical testing. Allele origin: germline.
Comment: This variant has not been reported in the literature in individuals affected with ATL3-related conditions. This variant is not present in population databases (ExAC no frequency). This sequence change replaces glutamic acid with aspartic acid at codon 101 of the ATL3 protein (p.Glu101Asp). The glutamic acid residue is moderately conserved and there is a small physicochemical difference between glutamic acid and aspartic acid. Algorithms developed to predict the effect of missense changes on protein structure and function (SIFT, PolyPhen-2, Align-GVGD) all suggest that this variant is likely to be tolerated. In summary, the available evidence is currently insufficient to determine the role of this variant in disease. Therefore, it has been classified as a Variant of Uncertain Significance.

NM_015459.5(ATL3):c.303A>C (p.Glu101Asp)

Genes: ATL3 (atlastin GTPase 3; minus strand), LNCROPM (lncRNA regulator of PLAAT3 mediated phospholipid metabolism; plus strand). Cytogenetic location: 11q13.1.
Variant type: single nucleotide variant.
Coding change: c.303A>C on transcript NM_015459.5 (MANE Select); coding-DNA position 303, A replaced by C.
Protein change: p.Glu101Asp; replaces glutamic acid 101 with aspartic acid.
Molecular consequence: missense variant.
Genome position (GRCh38, 1-based): chr11:63,658,863, T>G on the plus strand (A>C on the coding strand, the complement: ATL3 is on the minus strand). VCF-style: chr11-63658863-T-G. GRCh37 (hg19) VCF-style: chr11-63426335-T-G.
Other names: c.249A>C, p.Glu83Asp (NM_001290048.2); short protein forms E101D, E83D.
Identifiers: ClinVar variation 1495422 (VCV001495422.6), dbSNP rs1182508355, ClinGen allele CA381030321.